The following is an entry in ClinVar:

NM_032977.4(CASP10):c.875A>T (p.His292Leu)

Gene: CASP10 (caspase 10; plus strand). Cytogenetic location: 2q33.1.
Variant type: single nucleotide variant.
Coding change: c.875A>T on transcript NM_032977.4 (MANE Select); coding-DNA position 875, A replaced by T.
Protein change: p.His292Leu; replaces histidine 292 with leucine.
Molecular consequence: missense variant. On other transcripts: synonymous variant (1), intron variant (1).
Genome position (GRCh38, 1-based): chr2:201,208,136, A>T. VCF-style: chr2-201208136-A-T. GRCh37 (hg19) VCF-style: chr2-202072859-A-T.
Other names: c.746A>T, p.His249Leu (NM_001206542.2, NM_001230.5); c.875A>T, p.His292Leu (NM_032974.5); c.783A>T, p.Pro261= (NM_032976.4); c.722-934A>T (NM_001206524.2); short protein forms H292L, H249L.
Identifiers: ClinVar variation 1472975 (VCV001472975.8), dbSNP rs1452409142, ClinGen allele CA350286510.

ClinVar aggregate classification (germline): Uncertain significance (1 of 4 stars; one submission).

Conditions:
Autoimmune lymphoproliferative syndrome type 2A (ALPS2A). Also called: AUTOIMMUNE LYMPHOPROLIFERATIVE SYNDROME, TYPE IIA; CASP10-Related Autoimmune Lymphoproliferative Syndrome; Autoimmune lymphoproliferative syndrome type 2. Identifiers: Orphanet 3261, MedGen C1858968, MONDO:0011383, OMIM 603909.

Allele frequency attached by ClinVar (database versions not stated): gnomAD exomes below 0.00001 and 0.00001.
gnomAD v4.1: 16 of 1,614,126 alleles (0.00099%); highest among the groups gnomAD compares: Non-Finnish European, 0.0014%; no homozygotes.

Submission:

Labcorp Genetics (formerly Invitae), Labcorp
Classification: Uncertain significance for Autoimmune lymphoproliferative syndrome type 2A. Last evaluated: 2025-03-05. Review status: criteria provided, single submitter. Criteria: Invitae Variant Classification Sherloc (09022015). Collection method: clinical testing. Allele origin: germline.
Comment: This sequence change replaces histidine, which is basic and polar, with leucine, which is neutral and non-polar, at codon 292 of the CASP10 protein (p.His292Leu). This variant is present in population databases (no rsID available, gnomAD 0.0009%). This variant has not been reported in the literature in individuals affected with CASP10-related conditions. ClinVar contains an entry for this variant (Variation ID: 1472975). Invitae Evidence Modeling of protein sequence and biophysical properties (such as structural, functional, and spatial information, amino acid conservation, physicochemical variation, residue mobility, and thermodynamic stability) indicates that this missense variant is not expected to disrupt CASP10 protein function with a negative predictive value of 80%. In summary, the available evidence is currently insufficient to determine the role of this variant in disease. Therefore, it has been classified as a Variant of Uncertain Significance.